The following is an entry in ClinVar:

NM_001376.5(DYNC1H1):c.2684A>G (p.Asn895Ser)

Gene: DYNC1H1 (dynein cytoplasmic 1 heavy chain 1; plus strand). Cytogenetic location: 14q32.31.
Variant type: single nucleotide variant.
Coding change: c.2684A>G on transcript NM_001376.5 (MANE Select); coding-DNA position 2684, A replaced by G.
Protein change: p.Asn895Ser; replaces asparagine 895 with serine.
Molecular consequence: missense variant.
Genome position (GRCh38, 1-based): chr14:101,987,598, A>G. VCF-style: chr14-101987598-A-G. GRCh37 (hg19) VCF-style: chr14-102453935-A-G.
Other names: short protein forms N895S.
Identifiers: ClinVar variation 2738838 (VCV002738838.3), dbSNP rs1316843849, ClinGen allele CA391027719.
Genomic context (GRCh38, chr14:101,987,598, plus strand): 5'-CGGAAATCTTGAACAGAGTCCAGAAAGCAGTGGATGACTTAAATCTGCACTCCTATTCCA[A>G]TTTGCCCATCTGGGTCAACAAGCTTGACATGGAGGTAAGGGATAGAATTTGCTAGCATTT-3'
Protein context (NP_001367.2, residues 885-905): VDDLNLHSYS[Asn895Ser]LPIWVNKLDM

ClinVar aggregate classification (germline): Uncertain significance (1 of 4 stars; one submission).

Conditions:
Charcot-Marie-Tooth disease axonal type 2O. Also called: CHARCOT-MARIE-TOOTH NEUROPATHY, AXONAL, TYPE 2O; CHARCOT-MARIE-TOOTH DISEASE, AXONAL, AUTOSOMAL DOMINANT, TYPE 2O; Charcot-Marie-Tooth Neuropathy Type 2O; Charcot-Marie-Tooth disease, axonal, type 20. Identifiers: Orphanet 284232, MedGen C3280220, MONDO:0013644, OMIM 614228.

Allele frequency attached by ClinVar (database versions not stated): gnomAD exomes below 0.00001.
gnomAD v4.1: 7 of 1,614,138 alleles (0.00043%); highest among the groups gnomAD compares: Non-Finnish European, 0.00042%; no homozygotes.

Submission:

Labcorp Genetics (formerly Invitae), Labcorp
Classification: Uncertain significance for Charcot-Marie-Tooth disease axonal type 2O. Last evaluated: 2024-08-19. Review status: criteria provided, single submitter. Criteria: Invitae Variant Classification Sherloc (09022015). Collection method: clinical testing. Allele origin: germline.
Comment: This sequence change replaces asparagine, which is neutral and polar, with serine, which is neutral and polar, at codon 895 of the DYNC1H1 protein (p.Asn895Ser). This variant is present in population databases (no rsID available, gnomAD 0.0009%). This variant has not been reported in the literature in individuals affected with DYNC1H1-related conditions. Invitae Evidence Modeling of protein sequence and biophysical properties (such as structural, functional, and spatial information, amino acid conservation, physicochemical variation, residue mobility, and thermodynamic stability) indicates that this missense variant is expected to disrupt DYNC1H1 protein function with a positive predictive value of 95%. In summary, the available evidence is currently insufficient to determine the role of this variant in disease. Therefore, it has been classified as a Variant of Uncertain Significance.